The following is an entry in ClinVar:

ClinVar aggregate classification (germline): Uncertain significance (1 of 4 stars; one submission).

Submission:

GeneDx
Classification: Uncertain significance. Last evaluated: 2023-04-18. Review status: criteria provided, single submitter. Criteria: GeneDx Variant Classification Process June 2021. Collection method: clinical testing. Allele origin: germline. Affected: yes.
Comment: Not observed at significant frequency in large population cohorts (gnomAD); In silico analysis supports that this missense variant has a deleterious effect on protein structure/function; Has not been previously published as pathogenic or benign to our knowledge

NM_024408.4(NOTCH2):c.1844C>A (p.Pro615His)

Gene: NOTCH2 (notch receptor 2; minus strand). Cytogenetic location: 1p12.
Variant type: single nucleotide variant.
Coding change: c.1844C>A on transcript NM_024408.4 (MANE Select); coding-DNA position 1844, C replaced by A.
Protein change: p.Pro615His; replaces proline 615 with histidine.
Molecular consequence: missense variant.
Genome position (GRCh38, 1-based): chr1:119,963,645, G>T on the plus strand (C>A on the coding strand, the complement: NOTCH2 is on the minus strand). VCF-style: chr1-119963645-G-T. GRCh37 (hg19) VCF-style: chr1-120506268-G-T.
Other names: c.1844C>A, p.Pro615His (NM_001200001.2); short protein forms P615H.
Identifiers: ClinVar variation 3252697 (VCV003252697.1), dbSNP rs782651058.